The following is an entry in ClinVar:

NM_014264.5(PLK4):c.1363A>G (p.Asn455Asp)

Gene: PLK4 (polo like kinase 4; plus strand). Cytogenetic location: 4q28.1.
Variant type: single nucleotide variant.
Coding change: c.1363A>G on transcript NM_014264.5 (MANE Select); coding-DNA position 1363, A replaced by G.
Protein change: p.Asn455Asp; replaces asparagine 455 with aspartic acid.
Molecular consequence: missense variant.
Genome position (GRCh38, 1-based): chr4:127,887,400, A>G. VCF-style: chr4-127887400-A-G. GRCh37 (hg19) VCF-style: chr4-128808555-A-G.
Other names: c.1267A>G, p.Asn423Asp (NM_001190799.2); c.1240A>G, p.Asn414Asp (NM_001190801.2); short protein forms N414D, N423D, N455D.
Identifiers: ClinVar variation 965875 (VCV000965875.4), dbSNP rs146078575, ClinGen allele CA105637533.

ClinVar aggregate classification (germline): Uncertain significance (1 of 4 stars; one submission).

Allele frequency attached by ClinVar (database versions not stated): TOPMed below 0.00001; ESP Exome Variant Server 0.00008.
gnomAD v4.1: 1 of 1,596,530 alleles (0.000063%); no homozygotes.

Submission:

Labcorp Genetics (formerly Invitae), Labcorp
Classification: Uncertain significance. Last evaluated: 2021-08-31. Review status: criteria provided, single submitter. Criteria: Invitae Variant Classification Sherloc (09022015). Collection method: clinical testing. Allele origin: germline.
Comment: This sequence change replaces asparagine with aspartic acid at codon 455 of the PLK4 protein (p.Asn455Asp). The asparagine residue is moderately conserved and there is a small physicochemical difference between asparagine and aspartic acid. This variant is not present in population databases (ExAC no frequency). This variant has not been reported in the literature in individuals affected with PLK4-related conditions. Algorithms developed to predict the effect of missense changes on protein structure and function (SIFT, PolyPhen-2, Align-GVGD) all suggest that this variant is likely to be tolerated. In summary, the available evidence is currently insufficient to determine the role of this variant in disease. Therefore, it has been classified as a Variant of Uncertain Significance.